The following is an entry in ClinVar:

ClinVar aggregate classification (germline): Pathogenic/Likely pathogenic. Review status: criteria provided, multiple submitters, no conflicts (2 of 4 stars). 2 submissions from 2 submitters: Pathogenic (1); Likely pathogenic (1). Last evaluated 2023-05-17.

Conditions:
Colorectal cancer. Also called: Colorectal cancer, somatic; Malignant Colorectal Neoplasm. Identifiers: MedGen C0346629, MONDO:0005575, OMIM 114500.
Oligodontia-cancer predisposition syndrome. Also called: TOOTH AGENESIS-COLORECTAL CANCER SYNDROME. Identifiers: Orphanet 300576, MedGen C1837750, MONDO:0012075, OMIM 608615. Disease mechanism: loss of function.

Submissions (2):

Myriad Genetics, Inc.
Classification: Pathogenic for Oligodontia-cancer predisposition syndrome. Last evaluated: 2023-05-17. Review status: criteria provided, single submitter. Criteria: Myriad Autosomal Dominant, Autosomal Recessive and X-Linked Classification Criteria (2023). Collection method: clinical testing. Allele origin: unknown.
Comment: This variant is considered pathogenic. This variant creates a frameshift predicted to result in premature protein truncation.

Baylor Genetics
Classification: Likely pathogenic for Colorectal cancer. Last evaluated: 2022-08-16. Review status: criteria provided, single submitter. Criteria: ACMG Guidelines, 2015. Collection method: clinical testing. Allele origin: unknown.

NM_004655.4(AXIN2):c.94del (p.Glu32fs)

Gene: AXIN2 (axin 2; minus strand). Cytogenetic location: 17q24.1.
Variant type: Deletion.
Coding change: c.94del on transcript NM_004655.4 (MANE Select); coding-DNA position 94, one base deleted (G; older notation c.94delG).
Protein change: p.Glu32fs; shifts the reading frame from glutamic acid 32.
Molecular consequence: frameshift variant.
Genome position (GRCh38, 1-based): chr17:65,558,527, C deleted on the plus strand (G on the coding strand, the reverse complement: AXIN2 is on the minus strand); the first of 4 consecutive C bases (chr17:65,558,527-65,558,530); deleting any one gives the same sequence. VCF-style (leftmost placement, unchanged base first): chr17-65558526-TC-T. GRCh37 (hg19) VCF-style: chr17-63554644-TC-T.
Other names: c.94del, p.Glu32fs (NM_001363813.1); short protein forms E32fs.
Identifiers: ClinVar variation 2583537 (VCV002583537.3), dbSNP rs2544255457, ClinGen allele CA2582342306.